The following is an entry in ClinVar:

ClinVar aggregate classification (germline): Uncertain significance. Review status: criteria provided, multiple submitters, no conflicts (2 of 4 stars). 2 submissions from 2 submitters: Uncertain significance (2). Last evaluated 2026-03-06.

Conditions:
Hereditary cancer-predisposing syndrome. Also called: Neoplastic Syndromes, Hereditary; Tumor predisposition; Hereditary Cancer Syndrome; Hereditary neoplastic syndrome. Identifiers: Orphanet 140162, MedGen C0027672, MeSH D009386, MONDO:0015356.

Submissions (2):

Ambry Genetics
Classification: Uncertain significance for Hereditary cancer-predisposing syndrome. Last evaluated: 2026-03-06. Review status: criteria provided, single submitter. Criteria: Ambry Variant Classification Scheme 2023. Collection method: clinical testing. Allele origin: germline.
Comment: The p.V203G variant (also known as c.608T>G), located in coding exon 5 of the FH gene, results from a T to G substitution at nucleotide position 608. The valine at codon 203 is replaced by glycine, an amino acid with dissimilar properties. This amino acid position is conserved. In addition, this alteration is predicted to be deleterious by in silico analysis. Based on the available evidence, the clinical significance of this variant remains unclear.

Labcorp Genetics (formerly Invitae), Labcorp
Classification: Uncertain significance. Last evaluated: 2021-02-04. Review status: criteria provided, single submitter. Criteria: Invitae Variant Classification Sherloc (09022015). Collection method: clinical testing. Allele origin: germline.
Comment: In summary, the available evidence is currently insufficient to determine the role of this variant in disease. Therefore, it has been classified as a Variant of Uncertain Significance. Algorithms developed to predict the effect of sequence changes on RNA splicing suggest that this variant may create or strengthen a splice site, but this prediction has not been confirmed by published transcriptional studies. Advanced modeling of protein sequence and biophysical properties (such as structural, functional, and spatial information, amino acid conservation, physicochemical variation, residue mobility, and thermodynamic stability) performed at Invitae indicates that this missense variant is expected to disrupt FH protein function. This variant has not been reported in the literature in individuals with FH-related conditions. This variant is not present in population databases (ExAC no frequency). This sequence change replaces valine with glycine at codon 203 of the FH protein (p.Val203Gly). The valine residue is highly conserved and there is a moderate physicochemical difference between valine and glycine.

NM_000143.4(FH):c.608T>G (p.Val203Gly)

Gene: FH (fumarate hydratase; minus strand). Cytogenetic location: 1q43.
Variant type: single nucleotide variant.
Coding change: c.608T>G on transcript NM_000143.4 (MANE Select); coding-DNA position 608, T replaced by G.
Protein change: p.Val203Gly; replaces valine 203 with glycine.
Molecular consequence: missense variant.
Genome position (GRCh38, 1-based): chr1:241,508,733, A>C on the plus strand (T>G on the coding strand, the complement: FH is on the minus strand). VCF-style: chr1-241508733-A-C. GRCh37 (hg19) VCF-style: chr1-241672033-A-C.
Other names: c.608T>G (NM_000143.3); short protein forms V203G.
Identifiers: ClinVar variation 1436356 (VCV001436356.10), dbSNP rs200796921, ClinGen allele CA40329564.